The following is an entry in ClinVar:

ClinVar aggregate classification (germline): Uncertain significance (1 of 4 stars; one submission).

Submission:

Ambry Genetics
Classification: Uncertain significance. Last evaluated: 2025-11-26. Review status: criteria provided, single submitter. Criteria: Ambry Variant Classification Scheme 2023. Collection method: clinical testing. Allele origin: germline.
Comment: The p.V56M variant (also known as c.166G>A), located in coding exon 3 of the RINT1 gene, results from a G to A substitution at nucleotide position 166. The valine at codon 56 is replaced by methionine, an amino acid with highly similar properties. This amino acid position is conserved. In addition, the in silico prediction for this alteration is inconclusive. Since supporting evidence is limited at this time, the clinical significance of this alteration remains unclear.

NM_021930.6(RINT1):c.166G>A (p.Val56Met)

Gene: RINT1 (RAD50 interactor 1; plus strand). Cytogenetic location: 7q22.3.
Variant type: single nucleotide variant.
Coding change: c.166G>A on transcript NM_021930.6 (MANE Select); coding-DNA position 166, G replaced by A.
Protein change: p.Val56Met; replaces valine 56 with methionine.
Molecular consequence: missense variant. On other transcripts: 5 prime UTR variant (3), non-coding transcript variant (1), intron variant (1).
Genome position (GRCh38, 1-based): chr7:105,536,642, G>A. VCF-style: chr7-105536642-G-A. GRCh37 (hg19) VCF-style: chr7-105177089-G-A.
Other names: c.-854G>A (NM_001346600.2); c.-757G>A (NM_001346601.2); c.-377G>A (NM_001346603.2); c.39+30G>A (NM_001346599.2); short protein forms V56M.
Identifiers: ClinVar variation 1777658 (VCV001777658.3), dbSNP rs2485099863, ClinGen allele CA368800228.